The following is an entry in ClinVar:

NM_005027.4(PIK3R2):c.598+2T>C

Genes: PIK3R2 (phosphoinositide-3-kinase regulatory subunit 2; plus strand), LOC130063979 (ATAC-STARR-seq lymphoblastoid silent region 10375; plus strand). Cytogenetic location: 19p13.11.
Variant type: single nucleotide variant.
Coding change: c.598+2T>C on transcript NM_005027.4 (MANE Select); the canonical splice donor site of the intron after coding-DNA position 598, T replaced by C.
Molecular consequence: splice donor variant.
Genome position (GRCh38, 1-based): chr19:18,161,187, T>C. VCF-style: chr19-18161187-T-C. GRCh37 (hg19) VCF-style: chr19-18271997-T-C.
Identifiers: ClinVar variation 3359404 (VCV003359404.1).
Genomic context (GRCh38, chr19:18,161,187, plus strand): 5'-ACTGCCCGCGCCGCTCGTGACCCCCGAGGCCTCGGCCGAGGCGCGCCGGGCCCTGCGGGG[T>C]GAGCCTGGCGGGTAGCCCGGGGGAAGGAGGGGGCTGTAGCGGGTGGGAGGGCCCAGGCCT-3'

ClinVar aggregate classification (germline): Uncertain significance (1 of 4 stars; one submission).

Submission:

GeneDx
Classification: Uncertain significance. Last evaluated: 2023-06-03. Review status: criteria provided, single submitter. Criteria: GeneDx Variant Classification Process June 2021. Collection method: clinical testing. Allele origin: germline. Affected: yes.
Comment: Not observed at significant frequency in large population cohorts (gnomAD); Has not been previously published as pathogenic or benign to our knowledge; Canonical splice site variant in a gene for which loss-of-function is not an established mechanism of disease.